The following is an entry in ClinVar:

ClinVar aggregate classification (germline): Uncertain significance (1 of 4 stars; one submission).

Submission:

Labcorp Genetics (formerly Invitae), Labcorp
Classification: Uncertain significance. Last evaluated: 2019-11-27. Review status: criteria provided, single submitter. Criteria: Invitae Variant Classification Sherloc (09022015). Collection method: clinical testing. Allele origin: germline.
Comment: In summary, the available evidence is currently insufficient to determine the role of this variant in disease. Therefore, it has been classified as a Variant of Uncertain Significance. Algorithms developed to predict the effect of missense changes on protein structure and function are either unavailable or do not agree on the potential impact of this missense change (SIFT: "Tolerated"; PolyPhen-2: "Probably Damaging"; Align-GVGD: "Class C0"). This variant has not been reported in the literature in individuals with RNF43-related conditions. This variant is not present in population databases (ExAC no frequency). This sequence change replaces proline with alanine at codon 87 of the RNF43 protein (p.Pro87Ala). The proline residue is moderately conserved and there is a small physicochemical difference between proline and alanine.

NM_017763.6(RNF43):c.259C>G (p.Pro87Ala)

Gene: RNF43 (ring finger protein 43; minus strand). Cytogenetic location: 17q22.
Variant type: single nucleotide variant.
Coding change: c.259C>G on transcript NM_017763.6 (MANE Select); coding-DNA position 259, C replaced by G.
Protein change: p.Pro87Ala; replaces proline 87 with alanine.
Molecular consequence: missense variant.
Genome position (GRCh38, 1-based): chr17:58,371,027, G>C on the plus strand (C>G on the coding strand, the complement: RNF43 is on the minus strand). VCF-style: chr17-58371027-G-C. GRCh37 (hg19) VCF-style: chr17-56448388-G-C.
Other names: c.259C>G, p.Pro87Ala (NM_001305544.3); c.-123C>G (NM_001305545.2); short protein forms P87A.
Identifiers: ClinVar variation 858203 (VCV000858203.9), dbSNP rs1973084469, ClinGen allele CA400344748.
Genomic context (GRCh38, chr17:58,371,027, plus strand): 5'-CGATGCTGATGAATCCAGGCTCCAGATTGTCGTCATCACTGGCATTGCACAGGTACAGCG[G>C]GTGGGACTGCAGAGAGAGACAGACTTGGGTTAGGGAGGCTTTAGGCAGCAGGAGTGAGCT-3'
Protein context (NP_060233.3, residues 77-97): PAEGKLMQSH[Pro87Ala]LYLCNASDDD